The following is an entry in ClinVar:

NM_016222.4(DDX41):c.304A>T (p.Lys102Ter)

Gene: DDX41 (DEAD-box helicase 41; minus strand). Cytogenetic location: 5q35.3.
Variant type: single nucleotide variant.
Coding change: c.304A>T on transcript NM_016222.4 (MANE Select); coding-DNA position 304, A replaced by T.
Protein change: p.Lys102Ter; replaces lysine 102 with a stop codon.
Molecular consequence: nonsense. On other transcripts: 5 prime UTR variant (2).
Genome position (GRCh38, 1-based): chr5:177,516,188, T>A on the plus strand (A>T on the coding strand, the complement: DDX41 is on the minus strand). VCF-style: chr5-177516188-T-A. GRCh37 (hg19) VCF-style: chr5-176943189-T-A.
Other names: c.-75A>T (NM_001321732.2, NM_001321830.2); short protein forms K102*.
Identifiers: ClinVar variation 4869654 (VCV004869654.1).
Genomic context (GRCh38, chr5:177,516,188, plus strand): 5'-CGGCAACACTCTCCAGGATCTTCTCTTCTTCCTTCAGCTGCTTCTCCTTGGCAGACTCTT[T>A]GCGCGCTGAGAAAAGAAGTGGAAGATGTCAGACAGATACCAAAACGGTGTACCAGGCTCA-3'

ClinVar aggregate classification (germline): Pathogenic (1 of 4 stars; one submission).

Conditions:
Inborn genetic diseases. Identifiers: MedGen C0950123, MeSH D030342.

Submission:

Ambry Genetics
Classification: Pathogenic for Inborn genetic diseases. Last evaluated: 2026-04-27. Review status: criteria provided, single submitter. Criteria: Ambry Variant Classification Scheme 2023. Collection method: clinical testing. Allele origin: germline.
Comment: The p.K102* pathogenic mutation (also known as c.304A>T), located in coding exon 4 of the DDX41 gene, results from an A to T substitution at nucleotide position 304. This changes the amino acid from a lysine to a stop codon within coding exon 4. This variant is considered to be rare based on population cohorts in the Genome Aggregation Database (gnomAD). This variant is expected to result in loss of function by premature protein truncation or nonsense-mediated mRNA decay. As such, this variant is interpreted as a disease-causing mutation.